The following is an entry in ClinVar:

NM_000178.4(GSS):c.847C>T (p.Arg283Cys)

Gene: GSS (glutathione synthetase; minus strand). Cytogenetic location: 20q11.22.
Variant type: single nucleotide variant.
Coding change: c.847C>T on transcript NM_000178.4 (MANE Select); coding-DNA position 847, C replaced by T.
Protein change: p.Arg283Cys; replaces arginine 283 with cysteine.
Molecular consequence: missense variant.
Genome position (GRCh38, 1-based): chr20:34,932,121, G>A on the plus strand (C>T on the coding strand, the complement: GSS is on the minus strand). VCF-style: chr20-34932121-G-A. GRCh37 (hg19) VCF-style: chr20-33519924-G-A.
Other names: c.847C>T, p.Arg283Cys (LRG_1168t1, NM_001322494.1, NM_001322495.1); c.847C>T (NM_000178.3, NM_000178.2); short protein forms R283C.
Identifiers: ClinVar variation 8528 (VCV000008528.8), dbSNP rs121909309, ClinGen allele CA119693.

ClinVar aggregate classification (germline): Pathogenic/Likely pathogenic. Review status: criteria provided, multiple submitters, no conflicts (2 of 4 stars). 5 submissions from 5 submitters: Pathogenic (3); Likely pathogenic (1). 1 of the submissions does not count toward it. Last evaluated 2025-05-13.

Conditions:
Glutathione synthetase deficiency with 5-oxoprolinuria. Also called: Reduced glutathione synthetase level; 5-Oxoprolinuria; 5-OXOPROLINURIA DUE TO GLUTATHIONE SYNTHETASE DEFICIENCY; Gluthathione synthetase deficiency; PYROGLUTAMIC ACIDURIA. Identifiers: Orphanet 289846, MedGen C0398746, MONDO:0009947, OMIM 266130, HP:0003343.
Inherited glutathione synthetase deficiency. Identifiers: Orphanet 32, MedGen C5979912, MONDO:0017909.

Allele frequency attached by ClinVar (database versions not stated): gnomAD 0.00001; gnomAD exomes below 0.00001.
gnomAD v4.1: 20 of 1,613,428 alleles (0.0012%); highest among the groups gnomAD compares: Non-Finnish European, 0.0014%; no homozygotes.

Submissions (5):

GeneDx
Classification: Pathogenic. Last evaluated: 2025-05-13. Review status: criteria provided, single submitter. Criteria: GeneDx Variant Classification Process June 2021. Collection method: clinical testing. Allele origin: germline. Affected: yes.
Comment: Not observed at significant frequency in large population cohorts (gnomAD); In silico analysis supports that this missense variant has a deleterious effect on protein structure/function; This variant is associated with the following publications: (PMID: 34426522, Alqarajeh2020[Case_report], 10450861, 15717202, 8896573, 15056072, 11445798)

Women's Health and Genetics/Laboratory Corporation of America, LabCorp
Classification: Pathogenic for Glutathione synthetase deficiency with 5-oxoprolinuria. Last evaluated: 2023-03-27. Review status: criteria provided, single submitter. Criteria: LabCorp Variant Classification Summary - May 2015. Collection method: clinical testing. Allele origin: germline.
Comment: Variant summary: GSS c.847C>T (p.Arg283Cys) results in a non-conservative amino acid change located in the Glutathione synthase, substrate-binding domain (IPR004887) of the encoded protein sequence. Five of five in-silico tools predict a damaging effect of the variant on protein function. The variant allele was found at a frequency of 4e-06 in 251404 control chromosomes (gnomAD). c.847C>T has been reported in the literature in multiple bi-allelic individuals affected with Glutathione Synthetase Deficiency (example: Njalsson_2005). These data indicate that the variant is very likely to be associated with disease. At least one publication reports experimental evidence evaluating an impact on protein function. The most pronounced variant effect results in 10% of normal activity (example: Njalsson_2005). No clinical diagnostic laboratories have submitted clinical-significance assessments for this variant to ClinVar after 2014. Based on the evidence outlined above, the variant was classified as pathogenic.

Labcorp Genetics (formerly Invitae), Labcorp
Classification: Pathogenic for Glutathione synthetase deficiency with 5-oxoprolinuria. Last evaluated: 2023-03-19. Review status: criteria provided, single submitter. Criteria: Invitae Variant Classification Sherloc (09022015). Collection method: clinical testing. Allele origin: germline.
Comment: For these reasons, this variant has been classified as Pathogenic. Experimental studies have shown that this missense change affects GSS function (PMID: 8896573, 15056072). Advanced modeling of protein sequence and biophysical properties (such as structural, functional, and spatial information, amino acid conservation, physicochemical variation, residue mobility, and thermodynamic stability) performed at Invitae indicates that this missense variant is expected to disrupt GSS protein function. ClinVar contains an entry for this variant (Variation ID: 8528). This missense change has been observed in individual(s) with glutathione synthetase deficiency (PMID: 8896573, 15717202). In at least one individual the data is consistent with being in trans (on the opposite chromosome) from a pathogenic variant. This variant is present in population databases (rs121909309, gnomAD 0.0009%). This sequence change replaces arginine, which is basic and polar, with cysteine, which is neutral and slightly polar, at codon 283 of the GSS protein (p.Arg283Cys).

Revvity Omics, Revvity
Classification: Likely pathogenic. Last evaluated: 2023-02-08. Review status: criteria provided, single submitter. Criteria: ACMG Guidelines, 2015. Collection method: clinical testing. Allele origin: germline.

OMIM
Classification: Pathogenic for GLUTATHIONE SYNTHETASE DEFICIENCY. Last evaluated: 1996-11-01. Review status: no assertion criteria provided. Collection method: literature only. Allele origin: germline. Not counted in ClinVar's aggregate classification.

Literature cited by the submitters: PubMed 15717202 (cited by Women's Health and Genetics/Laboratory Corporation of America, LabCorp and Labcorp Genetics (formerly Invitae), Labcorp); PubMed 8896573 (cited by Labcorp Genetics (formerly Invitae), Labcorp and OMIM); PubMed 15056072 (cited by Labcorp Genetics (formerly Invitae), Labcorp).